The following is an entry in ClinVar:

NM_002860.4(ALDH18A1):c.-79A>G

Gene: ALDH18A1 (aldehyde dehydrogenase 18 family member A1; minus strand). Cytogenetic location: 10q24.1.
Variant type: single nucleotide variant.
Coding change: c.-79A>G on transcript NM_002860.4 (MANE Select); 79 bases upstream of the start codon, A replaced by G.
Molecular consequence: 5 prime UTR variant.
Genome position (GRCh38, 1-based): chr10:95,656,647, T>C on the plus strand (A>G on the coding strand, the complement: ALDH18A1 is on the minus strand). VCF-style: chr10-95656647-T-C. GRCh37 (hg19) VCF-style: chr10-97416404-T-C.
Other names: NC_000010.10:g.97416404T>C; c.-79A>G (NM_001017423.2, NM_001323417.2); c.-197A>G (NM_001323412.2); c.-230A>G (NM_001323413.2, NM_001323415.2); c.-387A>G (NM_001323414.2); c.-348A>G (NM_001323416.2, NM_001323418.2); c.-245A>G (NM_001323419.2).
Identifiers: ClinVar variation 301781 (VCV000301781.12), dbSNP rs117502632, ClinGen allele CA10636617.

ClinVar aggregate classification (germline): Benign/Likely benign. Review status: criteria provided, multiple submitters, no conflicts (2 of 4 stars). 4 submissions from 4 submitters: Benign (2); Likely benign (2). Last evaluated 2021-05-10.

Conditions:
Hereditary spastic paraplegia. Also called: Familial spastic paraparesis. Identifiers: Orphanet 685, MedGen C0037773, MONDO:0019064. Disease mechanism: loss of function.
ALDH18A1-related de Barsy syndrome. Also called: Cutis laxa, autosomal recessive IIIA; DE BARSY SYNDROME A. Identifiers: Orphanet 2962, Orphanet 35664, MedGen C5234852, MONDO:0009053, OMIM 219150.

Allele frequency attached by ClinVar (database versions not stated): 1000 Genomes Project 0.01837; 1000 Genomes Project 30x 0.01889; TOPMed 0.03166; gnomAD 0.03368 and 0.03469; gnomAD exomes 0.04054.
gnomAD v4.1: 5,142 of 152,814 alleles (3.4%); highest among the groups gnomAD compares: Non-Finnish European, 4.9%; 119 homozygotes.

Submissions (6):

GeneDx
Classification: Benign. Last evaluated: 2021-05-10. Review status: criteria provided, single submitter. Criteria: GeneDx Variant Classification Process June 2021. Collection method: clinical testing. Allele origin: germline. Affected: yes.

Illumina Laboratory Services, Illumina
Classification: Benign for ALDH18A1-related de Barsy syndrome. Last evaluated: 2018-01-13. Review status: criteria provided, single submitter. Criteria: ICSL Variant Classification Criteria 13 December 2019. Collection method: clinical testing. Allele origin: germline.
Comment: This variant was observed in the ICSL laboratory as part of a predisposition screen in an ostensibly healthy population. It had not been previously curated by ICSL or reported in the Human Gene Mutation Database (HGMD: prior to June 1st, 2018), and was therefore a candidate for classification through an automated scoring system. Utilizing variant allele frequency, disease prevalence and penetrance estimates, and inheritance mode, an automated score was calculated to assess if this variant is too frequent to cause the disease. Based on the score and internal cut-off values, a variant classified as benign is not then subjected to further curation. The score for this variant resulted in a classification of benign for this disease.

Genome Diagnostics Laboratory, The Hospital for Sick Children
Classification: Likely benign for Hereditary spastic paraplegia. Last evaluated: 2017-01-25. Review status: criteria provided, single submitter. Criteria: ACMG Guidelines, 2015. Collection method: clinical testing. Allele origin: germline. Affected: yes.

Breakthrough Genomics
Classification: Likely benign. Review status: criteria provided, single submitter. Criteria: ACMG Guidelines, 2015. Collection method: not provided. Allele origin: germline. Inheritance: Autosomal recessive inheritance. Affected: yes.

Dr. Peter K. Rogan Lab, Western University
No classification provided (evidence only). Condition: Lung cancer. Review status: no classification provided. Collection method: in vitro. Allele origin: not applicable. Functional consequence: retained intron. Not counted in ClinVar's aggregate classification.

Dr. Peter K. Rogan Lab, Western University
No classification provided (evidence only). Condition: Uterine corpus endometrial carcinoma. Review status: no classification provided. Collection method: in vitro. Allele origin: not applicable. Functional consequence: retained intron. Not counted in ClinVar's aggregate classification.